The following is an entry in ClinVar:

NM_000341.4(SLC3A1):c.17G>A (p.Ser6Asn)

Gene: SLC3A1 (solute carrier family 3 member 1; plus strand). Cytogenetic location: 2p21.
Variant type: single nucleotide variant.
Coding change: c.17G>A on transcript NM_000341.4 (MANE Select); coding-DNA position 17, G replaced by A.
Protein change: p.Ser6Asn; replaces serine 6 with asparagine.
Molecular consequence: missense variant.
Genome position (GRCh38, 1-based): chr2:44,275,552, G>A. VCF-style: chr2-44275552-G-A. GRCh37 (hg19) VCF-style: chr2-44502691-G-A.
Other names: short protein forms S6N.
Identifiers: ClinVar variation 1507642 (VCV001507642.7), dbSNP rs147004629, ClinGen allele CA1639989.

ClinVar aggregate classification (germline): Uncertain significance (1 of 4 stars; one submission).

Conditions:
Cystinuria (CSNU). Also called: Cystinuria, non-type I; CYSTINURIA, TYPE I; CYSTINURIA, TYPE II; CYSTINURIA, TYPE III. Identifiers: Orphanet 214, MedGen C0010691, MONDO:0009067, OMIM 220100, HP:0003131.

Allele frequency attached by ClinVar (database versions not stated): gnomAD 0.00003 and 0.00004; gnomAD exomes 0.00004 and 0.00007; TOPMed 0.00005; ESP Exome Variant Server 0.00008; ExAC 0.00010.
gnomAD v4.1: 72 of 1,613,952 alleles (0.0045%); highest among the groups gnomAD compares: Middle Eastern, 0.033%; no homozygotes.

Submission:

Labcorp Genetics (formerly Invitae), Labcorp
Classification: Uncertain significance for Cystinuria. Last evaluated: 2025-10-02. Review status: criteria provided, single submitter. Criteria: Invitae Variant Classification Sherloc (09022015). Collection method: clinical testing. Allele origin: germline.
Comment: This sequence change replaces serine, which is neutral and polar, with asparagine, which is neutral and polar, at codon 6 of the SLC3A1 protein (p.Ser6Asn). This variant is present in population databases (rs147004629, gnomAD 0.01%). This missense change has been observed in individual(s) with cystinuria (PMID: 33349102). ClinVar contains an entry for this variant (Variation ID: 1507642). An algorithm developed to predict the effect of missense changes on protein structure and function outputs the following: PolyPhen-2: "Benign". The asparagine amino acid residue is found in multiple mammalian species, which suggests that this missense change does not adversely affect protein function. In summary, the available evidence is currently insufficient to determine the role of this variant in disease. Therefore, it has been classified as a Variant of Uncertain Significance.

Literature cited by the submitters: PubMed 33349102.